The following is an entry in ClinVar:

NM_003823.4(TNFRSF6B):c.25C>G (p.Leu9Val)

Genes: RTEL1-TNFRSF6B (RTEL1-TNFRSF6B readthrough (NMD candidate); plus strand), TNFRSF6B (TNF receptor superfamily member 6b; plus strand). Cytogenetic location: 20q13.33.
Variant type: single nucleotide variant.
Coding change: c.25C>G on transcript NM_003823.4 (MANE Select); coding-DNA position 25, C replaced by G.
Protein change: p.Leu9Val; replaces leucine 9 with valine.
Molecular consequence: missense variant. On other transcripts: non-coding transcript variant (1).
Genome position (GRCh38, 1-based): chr20:63,696,792, C>G. VCF-style: chr20-63696792-C-G. GRCh37 (hg19) VCF-style: chr20-62328145-C-G.
Other names: short protein forms L9V.
Identifiers: ClinVar variation 1463877 (VCV001463877.8), dbSNP rs990360819, ClinGen allele CA317533516.

ClinVar aggregate classification (germline): Uncertain significance (1 of 4 stars; one submission).

gnomAD v4.1: 2 of 1,603,352 alleles (0.00012%); highest among the groups gnomAD compares: Non-Finnish European, 0.00017%; no homozygotes.

Submission:

Labcorp Genetics (formerly Invitae), Labcorp
Classification: Uncertain significance. Last evaluated: 2022-10-04. Review status: criteria provided, single submitter. Criteria: Invitae Variant Classification Sherloc (09022015). Collection method: clinical testing. Allele origin: germline.
Comment: This variant is not present in population databases (gnomAD no frequency). This sequence change replaces leucine, which is neutral and non-polar, with valine, which is neutral and non-polar, at codon 9 of the TNFRSF6B protein (p.Leu9Val). ClinVar contains an entry for this variant (Variation ID: 1463877). This variant has not been reported in the literature in individuals affected with TNFRSF6B-related conditions. Algorithms developed to predict the effect of missense changes on protein structure and function are either unavailable or do not agree on the potential impact of this missense change (SIFT: "Tolerated"; PolyPhen-2: "Not Available"; Align-GVGD: "Class C0"). In summary, the available evidence is currently insufficient to determine the role of this variant in disease. Therefore, it has been classified as a Variant of Uncertain Significance.